The following is an entry in ClinVar:

NM_004655.4(AXIN2):c.870C>T (p.Val290=)

Gene: AXIN2 (axin 2; minus strand). Cytogenetic location: 17q24.1.
Variant type: single nucleotide variant.
Coding change: c.870C>T on transcript NM_004655.4 (MANE Select); coding-DNA position 870, C replaced by T.
Protein change: p.Val290=; no amino-acid change (valine 290 retained).
Molecular consequence: synonymous variant.
Genome position (GRCh38, 1-based): chr17:65,549,606, G>A on the plus strand (C>T on the coding strand, the complement: AXIN2 is on the minus strand). VCF-style: chr17-65549606-G-A. GRCh37 (hg19) VCF-style: chr17-63545724-G-A.
Other names: c.870C>T, p.Val290= (NM_001363813.1).
Identifiers: ClinVar variation 772082 (VCV000772082.10), dbSNP rs1312733411, ClinGen allele CA501476714.
Genomic context (GRCh38, chr17:65,549,606, plus strand): 5'-ATCATCCGTCAGCGCATCACTGGATATCTCACTGTCGTTGGCGCTGGTGGCTGGTGCAAA[G>A]ACATAGCCAGAACCTATGTGATAAGGATTAACAGGATCGCTCCTCTTGAAGGACCTATGG-3'
Protein context (NP_004646.3, residues 280-300): VNPYHIGSGY[Val290=]FAPATSANDS

ClinVar aggregate classification (germline): Benign/Likely benign. Review status: criteria provided, multiple submitters, no conflicts (2 of 4 stars). 3 submissions from 3 submitters: Benign (1); Likely benign (2). Last evaluated 2024-07-03.

Conditions:
Oligodontia-cancer predisposition syndrome. Also called: TOOTH AGENESIS-COLORECTAL CANCER SYNDROME. Identifiers: Orphanet 300576, MedGen C1837750, MONDO:0012075, OMIM 608615. Disease mechanism: loss of function.
Hereditary cancer-predisposing syndrome. Also called: Neoplastic Syndromes, Hereditary; Hereditary Cancer Syndrome; Tumor predisposition; Hereditary neoplastic syndrome. Identifiers: Orphanet 140162, MedGen C0027672, MeSH D009386, MONDO:0015356.

Submissions (3):

Labcorp Genetics (formerly Invitae), Labcorp
Classification: Likely benign for Oligodontia-cancer predisposition syndrome. Last evaluated: 2024-07-03. Review status: criteria provided, single submitter. Criteria: Invitae Variant Classification Sherloc (09022015). Collection method: clinical testing. Allele origin: germline.

Myriad Genetics, Inc.
Classification: Benign for Oligodontia-cancer predisposition syndrome. Last evaluated: 2024-06-28. Review status: criteria provided, single submitter. Criteria: Myriad Autosomal Dominant, Autosomal Recessive and X-Linked Classification Criteria (2023). Collection method: clinical testing. Allele origin: unknown.
Comment: This variant is considered benign. This variant is a silent/synonymous amino acid change and it is not expected to impact splicing.

Ambry Genetics
Classification: Likely benign for Hereditary cancer-predisposing syndrome. Last evaluated: 2024-01-19. Review status: criteria provided, single submitter. Criteria: Ambry Variant Classification Scheme 2023. Collection method: clinical testing. Allele origin: germline.